The following is an entry in ClinVar:

NM_000057.4(BLM):c.463G>T (p.Asp155Tyr)

Gene: BLM (BLM RecQ like helicase; plus strand). Cytogenetic location: 15q26.1.
Variant type: single nucleotide variant.
Coding change: c.463G>T on transcript NM_000057.4 (MANE Select); coding-DNA position 463, G replaced by T.
Protein change: p.Asp155Tyr; replaces aspartic acid 155 with tyrosine.
Molecular consequence: missense variant. On other transcripts: 5 prime UTR variant (1).
Genome position (GRCh38, 1-based): chr15:90,749,731, G>T. VCF-style: chr15-90749731-G-T. GRCh37 (hg19) VCF-style: chr15-91292961-G-T.
Other names: c.463G>T, p.Asp155Tyr (NM_001287246.2, NM_001287247.2); c.-829G>T (NM_001287248.2); short protein forms D155Y.
Identifiers: ClinVar variation 1350792 (VCV001350792.8), dbSNP rs2151147403, ClinGen allele CA393840826.

ClinVar aggregate classification (germline): Uncertain significance. Review status: criteria provided, multiple submitters, no conflicts (2 of 4 stars). 2 submissions from 2 submitters: Uncertain significance (2). Last evaluated 2025-04-12.

Conditions:
Hereditary cancer-predisposing syndrome. Also called: Neoplastic Syndromes, Hereditary; Tumor predisposition; Hereditary neoplastic syndrome; Hereditary Cancer Syndrome. Identifiers: Orphanet 140162, MedGen C0027672, MeSH D009386, MONDO:0015356.
Bloom syndrome (BLM). Also called: Bloom-Torre-Machacek syndrome. Identifiers: Orphanet 125, MedGen C0005859, MONDO:0008876, OMIM 210900.

gnomAD v4.1: 1 of 1,614,154 alleles (0.000062%); highest among the groups gnomAD compares: Non-Finnish European, 0.000085%; no homozygotes.

Submissions (2):

Ambry Genetics
Classification: Uncertain significance for Hereditary cancer-predisposing syndrome. Last evaluated: 2025-04-12. Review status: criteria provided, single submitter. Criteria: Ambry Variant Classification Scheme 2023. Collection method: clinical testing. Allele origin: germline.
Comment: The p.D155Y variant (also known as c.463G>T), located in coding exon 2 of the BLM gene, results from a G to T substitution at nucleotide position 463. The aspartic acid at codon 155 is replaced by tyrosine, an amino acid with highly dissimilar properties. This amino acid position is conserved. In addition, the in silico prediction for this alteration is inconclusive. Since supporting evidence is limited at this time, the clinical significance of this alteration remains unclear.

Labcorp Genetics (formerly Invitae), Labcorp
Classification: Uncertain significance for Bloom syndrome. Last evaluated: 2024-07-06. Review status: criteria provided, single submitter. Criteria: Invitae Variant Classification Sherloc (09022015). Collection method: clinical testing. Allele origin: germline.
Comment: This sequence change replaces aspartic acid, which is acidic and polar, with tyrosine, which is neutral and polar, at codon 155 of the BLM protein (p.Asp155Tyr). This variant is not present in population databases (gnomAD no frequency). This variant has not been reported in the literature in individuals affected with BLM-related conditions. ClinVar contains an entry for this variant (Variation ID: 1350792). An algorithm developed to predict the effect of missense changes on protein structure and function (PolyPhen-2) suggests that this variant is likely to be disruptive. In summary, the available evidence is currently insufficient to determine the role of this variant in disease. Therefore, it has been classified as a Variant of Uncertain Significance.